The following is an entry in ClinVar:

NM_000038.6(APC):c.166_167delinsTT (p.Glu56Leu)

Gene: APC (APC regulator of Wnt signaling pathway; plus strand). Cytogenetic location: 5q22.2.
Variant type: Indel.
Coding change: c.166_167delinsTT on transcript NM_000038.6 (MANE Select); coding-DNA positions 166 to 167, GA replaced by TT.
Protein change: p.Glu56Leu; replaces glutamic acid 56 with leucine.
Molecular consequence: missense variant. On other transcripts: 5 prime UTR variant (4).
Genome position (GRCh38, 1-based): chr5:112,766,356-112,766,357, GA replaced by TT. VCF-style: chr5-112766356-GA-TT. GRCh37 (hg19) VCF-style: chr5-112102053-GA-TT.
Other names: c.-12_-11delGAinsTT (NM_001407453.1); c.166_167delGAinsTT, p.Glu56Leu (NM_001407454.1, NM_001407455.1, NM_001407456.1 and 11 more transcripts); c.-870_-869delGAinsTT (NM_001407470.1, NM_001407471.1, NM_001407472.1); c.166_167delinsTT, p.Glu56Leu (NM_001127510.3, NM_001354895.2, NM_001354896.2 and 2 more transcripts); c.196_197delinsTT, p.Glu66Leu (NM_001127511.3, NM_001354897.2, NM_001354902.2); c.91_92delinsTT, p.Glu31Leu (NM_001354898.2, NM_001354904.2); c.-12_-11delinsTT (NM_001354900.2, NM_001354901.2, NM_001354905.2); c.-870_-869delinsTT (NM_001354906.2); and 2 more; short protein forms E31L, E56L, E66L.
Identifiers: ClinVar variation 1716234 (VCV001716234.6), dbSNP rs2532272180, ClinGen allele CA2580072257.

ClinVar aggregate classification (germline): Uncertain significance (1 of 4 stars; one submission).

Conditions:
Familial adenomatous polyposis 1 (FAP1). Also called: POLYPOSIS, ADENOMATOUS INTESTINAL; FAMILIAL ADENOMATOUS POLYPOSIS 1, ATTENUATED. Identifiers: MedGen C2713442, MONDO:0021056, OMIM 175100. Disease mechanism: loss of function.

Submission:

Labcorp Genetics (formerly Invitae), Labcorp
Classification: Uncertain significance for Familial adenomatous polyposis 1. Last evaluated: 2022-08-12. Review status: criteria provided, single submitter. Criteria: Invitae Variant Classification Sherloc (09022015). Collection method: clinical testing. Allele origin: germline.
Comment: This variant has not been reported in the literature in individuals affected with APC-related conditions. In summary, the available evidence is currently insufficient to determine the role of this variant in disease. Therefore, it has been classified as a Variant of Uncertain Significance. Algorithms developed to predict the effect of missense changes on protein structure and function are either unavailable or do not agree on the potential impact of this missense change (SIFT: "Not Available"; PolyPhen-2: "Possibly Damaging"; Align-GVGD: "Not Available"). Information on the frequency of this variant in the gnomAD database is not available, as this variant may be reported differently in the database. This sequence change replaces glutamic acid, which is acidic and polar, with leucine, which is neutral and non-polar, at codon 56 of the APC protein (p.Glu56Leu).